The following is an entry in ClinVar:

ClinVar aggregate classification (germline): Pathogenic. Review status: reviewed by expert panel (3 of 4 stars). 2 submissions from 2 submitters: Pathogenic (1). 1 of the submissions does not count toward it. Last evaluated 2016-10-18.

Conditions:
Breast-ovarian cancer, familial, susceptibility to, 2 (BROVCA2). Also called: BRCA2 Hereditary Breast and Ovarian Cancer. Identifiers: Orphanet 145, MedGen C2675520, MONDO:0012933, OMIM 612555. Disease mechanism: loss of function.

Submissions (2):

Evidence-based Network for the Interpretation of Germline Mutant Alleles (ENIGMA)
Classification: Pathogenic for Breast-ovarian cancer, familial, susceptibility to, 2. Last evaluated: 2016-10-18. Review status: reviewed by expert panel. Criteria: ENIGMA BRCA1/2 Classification Criteria (2015). Collection method: curation. Allele origin: germline.
Comment: Variant allele predicted to encode a truncated non-functional protein.

Consortium of Investigators of Modifiers of BRCA1/2 (CIMBA), c/o University of Cambridge
Classification: Pathogenic for Breast-ovarian cancer, familial, susceptibility to, 2. Last evaluated: 2015-10-02. Review status: criteria provided, single submitter. Criteria: CIMBA Mutation Classification guidelines May 2016. Collection method: clinical testing. Allele origin: germline. Not counted in ClinVar's aggregate classification.

NM_000059.3(BRCA2):c.7980_7984delTGATA

Gene: BRCA2 (BRCA2 DNA repair associated; plus strand). Cytogenetic location: 13q13.1.
Variant type: Deletion.
Coding change: c.7980_7984delTGATA on transcript NM_000059.3; coding-DNA positions 7980 to 7984, 5 bases deleted (TGATA).
Genome position (GRCh38, 1-based): chr13:32,363,182-32,363,186, TGATA deleted; deleting any 5 consecutive bases within chr13:32,363,178-32,363,186 gives the same sequence; the c. name uses the placement nearest the transcript's 3' end. VCF-style (leftmost placement, unchanged base first): chr13-32363177-AGATAT-A. GRCh37 (hg19) VCF-style: chr13-32937314-AGATAT-A.
Other names: 8208del5-ter2665.
Identifiers: ClinVar variation 52460 (VCV000052460.8), dbSNP rs397507950, ClinGen allele CA025379.